The following is an entry in ClinVar:

NM_007118.4(TRIO):c.753G>C (p.Glu251Asp)

Gene: TRIO (trio Rho guanine nucleotide exchange factor; plus strand). Cytogenetic location: 5p15.2.
Variant type: single nucleotide variant.
Coding change: c.753G>C on transcript NM_007118.4 (MANE Select); coding-DNA position 753, G replaced by C.
Protein change: p.Glu251Asp; replaces glutamic acid 251 with aspartic acid.
Molecular consequence: missense variant. On other transcripts: non-coding transcript variant (1).
Genome position (GRCh38, 1-based): chr5:14,290,928, G>C. VCF-style: chr5-14290928-G-C. GRCh37 (hg19) VCF-style: chr5-14291037-G-C.
Other names: short protein forms E251D.
Identifiers: ClinVar variation 2501429 (VCV002501429.1), dbSNP rs764101054, ClinGen allele CA359208266.

ClinVar aggregate classification (germline): Uncertain significance (1 of 4 stars; one submission).

Submission:

GeneDx
Classification: Uncertain significance. Last evaluated: 2022-11-07. Review status: criteria provided, single submitter. Criteria: GeneDx Variant Classification Process June 2021. Collection method: clinical testing. Allele origin: germline. Affected: yes.
Comment: Not observed at significant frequency in large population cohorts (gnomAD); In silico analysis supports that this missense variant does not alter protein structure/function; Has not been previously published as pathogenic or benign to our knowledge